The following is an entry in ClinVar:

ClinVar aggregate classification (germline): Likely benign. Review status: criteria provided, multiple submitters, no conflicts (2 of 4 stars). 4 submissions from 4 submitters: Likely benign (3). 1 of the submissions does not count toward it. Last evaluated 2026-01-24.

Conditions:
VPS45-related disorder. Also called: VPS45-related condition.
Congenital neutropenia-myelofibrosis-nephromegaly syndrome. Also called: Severe congenital neutropenia 5, autosomal recessive. Identifiers: Orphanet 369852, MedGen C3809031, MONDO:0014118, OMIM 615285.

Allele frequency attached by ClinVar (database versions not stated): ExAC 0.00003; gnomAD exomes 0.00003 and 0.00004; TOPMed 0.00005; ESP Exome Variant Server 0.00008; gnomAD 0.00008; 1000 Genomes Project 30x 0.00016; 1000 Genomes Project 0.00020.
gnomAD v4.1: 68 of 1,612,702 alleles (0.0042%); highest among the groups gnomAD compares: Non-Finnish European, 0.0055%; no homozygotes.

Submissions (4):

Labcorp Genetics (formerly Invitae), Labcorp
Classification: Likely benign for Congenital neutropenia-myelofibrosis-nephromegaly syndrome. Last evaluated: 2026-01-24. Review status: criteria provided, single submitter. Criteria: Invitae Variant Classification Sherloc (09022015). Collection method: clinical testing. Allele origin: germline.

Mayo Clinic Laboratories, Mayo Clinic
Classification: Likely benign. Last evaluated: 2025-03-31. Review status: criteria provided, single submitter. Criteria: ACMG Guidelines, 2015. Collection method: clinical testing. Allele origin: germline. Observed: 4 variant alleles.

Blueprint Genetics
Classification: Likely benign. Last evaluated: 2024-10-23. Review status: criteria provided, single submitter. Criteria: ACMG Guidelines, 2015. Collection method: clinical testing. Allele origin: germline.

PreventionGenetics, part of Exact Sciences
Classification: Likely benign for VPS45-related condition. Last evaluated: 2024-01-10. Review status: no assertion criteria provided. Collection method: clinical testing. Allele origin: germline. Not counted in ClinVar's aggregate classification.
Comment: This variant is classified as likely benign based on ACMG/AMP sequence variant interpretation guidelines (Richards et al. 2015 PMID: 25741868, with internal and published modifications).

NM_007259.5(VPS45):c.1473C>T (p.Gly491=)

Gene: VPS45 (vacuolar protein sorting 45 homolog; plus strand). Cytogenetic location: 1q21.2.
Variant type: single nucleotide variant.
Coding change: c.1473C>T on transcript NM_007259.5 (MANE Select); coding-DNA position 1473, C replaced by T.
Protein change: p.Gly491=; no amino-acid change (glycine 491 retained).
Molecular consequence: synonymous variant. On other transcripts: non-coding transcript variant (1).
Genome position (GRCh38, 1-based): chr1:150,093,628, C>T. VCF-style: chr1-150093628-C-T. GRCh37 (hg19) VCF-style: chr1-150065724-C-T.
Other names: p.Gly491=; c.1158C>T, p.Gly386= (NM_001279353.2); c.1365C>T, p.Gly455= (NM_001279354.2); c.1473C>T (NM_007259.4).
Identifiers: ClinVar variation 1132187 (VCV001132187.13), dbSNP rs142640111, ClinGen allele CA1073412.
Genomic context (GRCh38, chr1:150,093,628, plus strand): 5'-TGAAACCCTGGATCATCTCATCAAAGGAAGGCTTAAGGAAAACCTATATCCTTATTTAGG[C>T]CCCAGCACACTCAGAGACAGGTAAGCTAACAAAGATATTAATAATAAAAGCCAGAAATAC-3'
Protein context (NP_009190.2, residues 481-501): RLKENLYPYL[Gly491=]PSTLRDRPQD